The following is an entry in ClinVar:

ClinVar aggregate classification (germline): Likely benign. Review status: criteria provided, multiple submitters, no conflicts (2 of 4 stars). 2 submissions from 2 submitters: Likely benign (2). Last evaluated 2025-04-14.

Conditions:
Autosomal recessive limb-girdle muscular dystrophy type 2J (LGMDR10). Also called: Limb-girdle muscular dystrophy, type 2J; MUSCULAR DYSTROPHY, LIMB-GIRDLE, AUTOSOMAL RECESSIVE 10. Identifiers: Orphanet 140922, MedGen C1837342, MONDO:0012127, OMIM 608807.
Dilated cardiomyopathy 1G (CMD1G). Identifiers: Orphanet 154, MedGen C1858763, MONDO:0011400, OMIM 604145.

Allele frequency attached by ClinVar (database versions not stated): TOPMed below 0.00001; ExAC 0.00001; gnomAD exomes 0.00001; ESP Exome Variant Server 0.00008.
gnomAD v4.1: 6 of 1,613,412 alleles (0.00037%); highest among the groups gnomAD compares: Non-Finnish European, 0.00051%; no homozygotes.

Submissions (2):

Labcorp Genetics (formerly Invitae), Labcorp
Classification: Likely benign for Dilated cardiomyopathy 1G; Autosomal recessive limb-girdle muscular dystrophy type 2J. Last evaluated: 2025-04-14. Review status: criteria provided, single submitter. Criteria: Invitae Variant Classification Sherloc (09022015). Collection method: clinical testing. Allele origin: germline.

CeGaT Center for Human Genetics Tuebingen
Classification: Likely benign. Last evaluated: 2024-01-01. Review status: criteria provided, single submitter. Criteria: CeGaT Center For Human Genetics Tuebingen Variant Classification Criteria Version 2. Collection method: clinical testing. Allele origin: germline. Affected: yes. Observed: 1 variant allele.
Comment: TTN: BP4, BP7

NM_001267550.2(TTN):c.73590G>A (p.Glu24530=)

Genes: TTN (titin; minus strand), TTN-AS1 (TTN antisense RNA 1; plus strand). Cytogenetic location: 2q31.2.
Variant type: single nucleotide variant.
Coding change: c.73590G>A on transcript NM_001267550.2 (MANE Select); coding-DNA position 73590, G replaced by A.
Protein change: p.Glu24530=; no amino-acid change (glutamic acid 24530 retained).
Molecular consequence: synonymous variant.
Genome position (GRCh38, 1-based): chr2:178,572,542, C>T on the plus strand (G>A on the coding strand, the complement: TTN is on the minus strand). VCF-style: chr2-178572542-C-T. GRCh37 (hg19) VCF-style: chr2-179437269-C-T.
Other names: c.68667G>A, p.Glu22889= (NM_001256850.1); c.46395G>A, p.Glu15465= (NM_003319.4); c.65886G>A, p.Glu21962= (NM_133378.4); c.46770G>A, p.Glu15590= (NM_133432.3); c.46971G>A, p.Glu15657= (NM_133437.4).
Identifiers: ClinVar variation 700423 (VCV000700423.31), dbSNP rs372089626, ClinGen allele CA1990348.